The following is an entry in ClinVar:

NM_017950.4(CCDC40):c.1464del (p.Ser489fs)

Gene: CCDC40 (coiled-coil domain 40 molecular ruler complex subunit; plus strand). Cytogenetic location: 17q25.3.
Variant type: Deletion.
Coding change: c.1464del on transcript NM_017950.4 (MANE Select); coding-DNA position 1464, one base deleted (C; older notation c.1464delC).
Protein change: p.Ser489fs; shifts the reading frame from serine 489.
Molecular consequence: frameshift variant.
Genome position (GRCh38, 1-based): chr17:80,065,508, C deleted. VCF-style (leftmost placement, unchanged base first): chr17-80065507-TC-T. GRCh37 (hg19) VCF-style: chr17-78039306-TC-T.
Other names: c.1464del, p.Ser489fs (NM_001243342.2, NM_001330508.2); short protein forms S489fs.
Identifiers: ClinVar variation 4074996 (VCV004074996.2).

ClinVar aggregate classification (germline): Pathogenic. Review status: criteria provided, multiple submitters, no conflicts (2 of 4 stars). 2 submissions from 2 submitters: Pathogenic (2). Last evaluated 2025-12-03.

Conditions:
Primary ciliary dyskinesia. Also called: Ciliary dyskinesia. Identifiers: Orphanet 244, MedGen C0008780, MONDO:0016575, HP:0012265.

Submissions (2):

Labcorp Genetics (formerly Invitae), Labcorp
Classification: Pathogenic for Primary ciliary dyskinesia. Last evaluated: 2025-12-03. Review status: criteria provided, single submitter. Criteria: Invitae Variant Classification Sherloc (09022015). Collection method: clinical testing. Allele origin: germline.
Comment: This sequence change creates a premature translational stop signal (p.Ser489Alafs*18) in the CCDC40 gene. It is expected to result in an absent or disrupted protein product. Loss-of-function variants in CCDC40 are known to be pathogenic (PMID: 21131974, 22693285, 23255504). This variant is present in population databases (no rsID available, gnomAD 0.0009%). This premature translational stop signal has been observed in individual(s) with primary ciliary dyskinesia (PMID: 22693285). ClinVar contains an entry for this variant (Variation ID: 4074996). For these reasons, this variant has been classified as Pathogenic.

Cambridge Genomics Laboratory, East Genomic Laboratory Hub, NHS Genomic Medicine Service
Classification: Pathogenic for Primary ciliary dyskinesia. Last evaluated: 2019-12-11. Review status: criteria provided, single submitter. Criteria: ACGS Best Practice Guidelines for Variant Classification in Rare Disease 2020. Collection method: clinical testing. Allele origin: germline. Affected: yes. Observed: 1 variant allele.

Literature cited by the submitters: PubMed 21131974 (cited by Labcorp Genetics (formerly Invitae), Labcorp); PubMed 22693285 (cited by Labcorp Genetics (formerly Invitae), Labcorp); PubMed 23255504 (cited by Labcorp Genetics (formerly Invitae), Labcorp).